The following is an entry in ClinVar:

ClinVar aggregate classification (germline): Uncertain significance (1 of 4 stars; one submission).

Conditions:
Malignant hyperthermia, susceptibility to, 1 (MHS1). Also called: RYR1-Related Malignant Hyperthermia Susceptibility; Malignant hyperthermia suceptibility 1; Anesthesia related hyperthermia; Malignant hyperpyrexia; Fulminating hyperpyrexia; Pharmacogenic myopathy. Identifiers: Orphanet 423, MedGen C2930980, MONDO:0007783, OMIM 145600.

gnomAD v4.1: 1 of 1,614,044 alleles (0.000062%); highest among the groups gnomAD compares: Non-Finnish European, 0.000085%; no homozygotes.

Submission:

Color Diagnostics, LLC DBA Color Health
Classification: Uncertain significance for Malignant hyperthermia, susceptibility to, 1. Last evaluated: 2025-09-18. Review status: criteria provided, single submitter. Criteria: ACMG Guidelines, 2015. Collection method: clinical testing. Allele origin: germline.
Comment: This missense variant replaces aspartic acid with histidine at codon 3717 of the RYR1 protein. Computational prediction is inconclusive regarding the impact of this variant on protein structure and function. To our knowledge, functional studies have not been reported for this variant. This variant has not been reported in individuals affected with RYR1-related disorders in the literature. This variant has been identified in 1/251474 chromosomes in the general population by the Genome Aggregation Database (gnomAD). The available evidence is insufficient to determine the role of this variant in disease conclusively. Therefore, this variant is classified as a Variant of Uncertain Significance.

NM_000540.3(RYR1):c.11149G>C (p.Asp3717His)

Gene: RYR1 (ryanodine receptor 1; plus strand). Cytogenetic location: 19q13.2.
Variant type: single nucleotide variant.
Coding change: c.11149G>C on transcript NM_000540.3 (MANE Select); coding-DNA position 11149, G replaced by C.
Protein change: p.Asp3717His; replaces aspartic acid 3717 with histidine.
Molecular consequence: missense variant.
Genome position (GRCh38, 1-based): chr19:38,532,497, G>C. VCF-style: chr19-38532497-G-C. GRCh37 (hg19) VCF-style: chr19-39023137-G-C.
Other names: c.11134G>C, p.Asp3712His (NM_001042723.2); short protein forms D3712H, D3717H.
Identifiers: ClinVar variation 4756441 (VCV004756441.1).
Genomic context (GRCh38, chr19:38,532,497, plus strand): 5'-AGATGGGGGTCCTCTCCACCGGGTCCTGACCACTCCCCTGCTTACTTCCCCAGCAAACTG[G>C]ATGAGGATTACCTGTACATGGCCTATGCTGATATCATGGCAAAGGTGAGGCCCTACCCCC-3'
Protein context (NP_000531.2, residues 3707-3727): RTALTEKSKL[Asp3717His]EDYLYMAYAD